The following is an entry in ClinVar:

NM_003054.6(SLC18A2):c.616A>G (p.Met206Val)

Gene: SLC18A2 (solute carrier family 18 member A2; plus strand). Cytogenetic location: 10q25.3.
Variant type: single nucleotide variant.
Coding change: c.616A>G on transcript NM_003054.6 (MANE Select); coding-DNA position 616, A replaced by G.
Protein change: p.Met206Val; replaces methionine 206 with valine.
Molecular consequence: missense variant.
Genome position (GRCh38, 1-based): chr10:117,254,413, A>G. VCF-style: chr10-117254413-A-G. GRCh37 (hg19) VCF-style: chr10-119013924-A-G.
Other names: short protein forms M206V.
Identifiers: ClinVar variation 4872981 (VCV004872981.2).

ClinVar aggregate classification (germline): Uncertain significance (1 of 4 stars; one submission).

gnomAD v4.1: 8 of 1,590,886 alleles (0.0005%); highest among the groups gnomAD compares: South Asian, 0.0011%; no homozygotes.

Submission:

CeGaT Center for Human Genetics Tuebingen
Classification: Uncertain significance. Last evaluated: 2026-06-01. Review status: criteria provided, single submitter. Criteria: CeGaT Center For Human Genetics Tuebingen Variant Classification Criteria Version 2. Collection method: clinical testing. Allele origin: germline. Affected: yes. Observed: 1 variant allele.
Comment: SLC18A2: PM2